The following is an entry in ClinVar:

NM_004006.3(DMD):c.2704C>T (p.Gln902Ter)

Gene: DMD (dystrophin; minus strand). Cytogenetic location: Xp21.1.
Variant type: single nucleotide variant.
Coding change: c.2704C>T on transcript NM_004006.3 (MANE Select); coding-DNA position 2704, C replaced by T.
Protein change: p.Gln902Ter; replaces glutamine 902 with a stop codon.
Molecular consequence: nonsense.
Genome position (GRCh38, 1-based): chrX:32,485,018, G>A on the plus strand (C>T on the coding strand, the complement: DMD is on the minus strand). VCF-style: chrX-32485018-G-A. GRCh37 (hg19) VCF-style: chrX-32503135-G-A.
Other names: c.2680C>T, p.Gln894Ter (NM_000109.4); c.2692C>T, p.Gln898Ter (NM_004009.3); c.2335C>T, p.Gln779Ter (NM_004010.3); short protein forms Q898*, Q902*, Q779*, Q894*.
Identifiers: ClinVar variation 661628 (VCV000661628.10), dbSNP rs1603634608, ClinGen allele CA412670844.

ClinVar aggregate classification (germline): Pathogenic. Review status: criteria provided, multiple submitters, no conflicts (2 of 4 stars). 2 submissions from 2 submitters: Pathogenic (2). Last evaluated 2026-01-11.

Conditions:
Becker muscular dystrophy, Cardiomyopathy, Duchenne muscular dystrophy, Dystrophin deficiency.
Duchenne muscular dystrophy (DMD). Also called: MUSCULAR DYSTROPHY, PSEUDOHYPERTROPHIC PROGRESSIVE, DUCHENNE TYPE; Duchenne Muscular Dystrophy (DMD). Identifiers: Orphanet 98896, MedGen C0013264, MONDO:0010679, OMIM 310200.

Submissions (2):

Labcorp Genetics (formerly Invitae), Labcorp
Classification: Pathogenic for Duchenne muscular dystrophy. Last evaluated: 2026-01-11. Review status: criteria provided, single submitter. Criteria: Invitae Variant Classification Sherloc (09022015). Collection method: clinical testing. Allele origin: germline.
Comment: This sequence change creates a premature translational stop signal (p.Gln902*) in the DMD gene. It is expected to result in an absent or disrupted protein product. Loss-of-function variants in DMD are known to be pathogenic (PMID: 16770791, 25007885). This variant is not present in population databases (gnomAD no frequency). This premature translational stop signal has been observed in individuals with Duchenne or Becker muscular dystrophy (PMID: 19837995, 27263301, 28859693). This variant is also known as p.Gln894X. ClinVar contains an entry for this variant (Variation ID: 661628). For these reasons, this variant has been classified as Pathogenic.

Natera, Inc.
Classification: Pathogenic for Becker muscular dystrophy, Cardiomyopathy, Duchenne muscular dystrophy, Dystrophin deficiency. Last evaluated: 2025-03-03. Review status: criteria provided, single submitter. Criteria: Natera Variant Classification Schema (03/2026). Collection method: clinical testing. Allele origin: germline.
Comment: The c.2704C>T variant in DMD is a nonsense variant predicted to introduce a stop codon at amino acid 902. This variant is expected to result in nonsense mediated decay, truncation, or a dysfunctional protein product. This variant is rare in the general population with a frequency below the threshold expected for the associated phenotype(s). This variant has been observed in affected individual(s) with monoallelic occurrence (heterozygous/hemizygous) (PMID: 31671740, 31443951, 28859693, 27263301). Given the available evidence, this variant is classified as Pathogenic.

Literature cited by the submitters: PubMed 16770791 (cited by Labcorp Genetics (formerly Invitae), Labcorp); PubMed 25007885 (cited by Labcorp Genetics (formerly Invitae), Labcorp); PubMed 19837995 (cited by Labcorp Genetics (formerly Invitae), Labcorp); PubMed 27263301 (cited by Labcorp Genetics (formerly Invitae), Labcorp and Natera, Inc.); PubMed 28859693 (cited by Labcorp Genetics (formerly Invitae), Labcorp and Natera, Inc.); PubMed 31671740 (cited by Natera, Inc.); PubMed 31443951 (cited by Natera, Inc.).